The following is an entry in ClinVar:

NM_003136.4(SRP54):c.453T>G (p.Asn151Lys)

Gene: SRP54 (signal recognition particle 54; plus strand). Cytogenetic location: 14q13.2.
Variant type: single nucleotide variant.
Coding change: c.453T>G on transcript NM_003136.4 (MANE Select); coding-DNA position 453, T replaced by G.
Protein change: p.Asn151Lys; replaces asparagine 151 with lysine.
Molecular consequence: missense variant.
Genome position (GRCh38, 1-based): chr14:35,008,799, T>G. VCF-style: chr14-35008799-T-G. GRCh37 (hg19) VCF-style: chr14-35478005-T-G.
Other names: c.306T>G, p.Asn102Lys (NM_001146282.2); c.453T>G, p.Asn151Lys (NM_001411017.1); short protein forms N102K, N151K.
Identifiers: ClinVar variation 2757354 (VCV002757354.3), dbSNP rs1566650205, ClinGen allele CA389439934.

ClinVar aggregate classification (germline): Uncertain significance (1 of 4 stars; one submission).

Submission:

Labcorp Genetics (formerly Invitae), Labcorp
Classification: Uncertain significance. Last evaluated: 2023-09-01. Review status: criteria provided, single submitter. Criteria: Invitae Variant Classification Sherloc (09022015). Collection method: clinical testing. Allele origin: germline.
Comment: This sequence change replaces asparagine, which is neutral and polar, with lysine, which is basic and polar, at codon 151 of the SRP54 protein (p.Asn151Lys). This variant is not present in population databases (gnomAD no frequency). This variant has not been reported in the literature in individuals affected with SRP54-related conditions. Advanced modeling of protein sequence and biophysical properties (such as structural, functional, and spatial information, amino acid conservation, physicochemical variation, residue mobility, and thermodynamic stability) performed at Invitae indicates that this missense variant is expected to disrupt SRP54 protein function. In summary, the available evidence is currently insufficient to determine the role of this variant in disease. Therefore, it has been classified as a Variant of Uncertain Significance.